The following is an entry in ClinVar:

ClinVar aggregate classification (germline): Uncertain significance (1 of 4 stars; one submission).

Submission:

Labcorp Genetics (formerly Invitae), Labcorp
Classification: Uncertain significance. Last evaluated: 2024-11-22. Review status: criteria provided, single submitter. Criteria: Invitae Variant Classification Sherloc (09022015). Collection method: clinical testing. Allele origin: germline.
Comment: This sequence change replaces threonine, which is neutral and polar, with asparagine, which is neutral and polar, at codon 170 of the POLE2 protein (p.Thr170Asn). This variant is not present in population databases (gnomAD no frequency). This variant has not been reported in the literature in individuals affected with POLE2-related conditions. An algorithm developed to predict the effect of missense changes on protein structure and function (PolyPhen-2) suggests that this variant is likely to be tolerated. In summary, the available evidence is currently insufficient to determine the role of this variant in disease. Therefore, it has been classified as a Variant of Uncertain Significance.

NM_002692.4(POLE2):c.509C>A (p.Thr170Asn)

Gene: POLE2 (DNA polymerase epsilon 2, accessory subunit; minus strand). Cytogenetic location: 14q21.3.
Variant type: single nucleotide variant.
Coding change: c.509C>A on transcript NM_002692.4 (MANE Select); coding-DNA position 509, C replaced by A.
Protein change: p.Thr170Asn; replaces threonine 170 with asparagine.
Molecular consequence: missense variant.
Genome position (GRCh38, 1-based): chr14:49,666,397, G>T on the plus strand (C>A on the coding strand, the complement: POLE2 is on the minus strand). VCF-style: chr14-49666397-G-T. GRCh37 (hg19) VCF-style: chr14-50133115-G-T.
Other names: c.431C>A, p.Thr144Asn (NM_001197330.2); c.509C>A, p.Thr170Asn (NM_001197331.3, NM_001348384.2); c.278C>A, p.Thr93Asn (NM_001348385.2); short protein forms T170N, T93N, T144N.
Identifiers: ClinVar variation 3725843 (VCV003725843.2).